The following is an entry in ClinVar:

ClinVar aggregate classification (germline): Uncertain significance (1 of 4 stars; one submission).

Conditions:
Hereditary cancer-predisposing syndrome. Also called: Neoplastic Syndromes, Hereditary; Tumor predisposition; Hereditary Cancer Syndrome; Hereditary neoplastic syndrome. Identifiers: Orphanet 140162, MedGen C0027672, MeSH D009386, MONDO:0015356.

Submission:

Ambry Genetics
Classification: Uncertain significance for Hereditary cancer-predisposing syndrome. Last evaluated: 2022-04-28. Review status: criteria provided, single submitter. Criteria: Ambry Variant Classification Scheme 2023. Collection method: clinical testing. Allele origin: germline.
Comment: The p.A1088D variant (also known as c.3263C>A), located in coding exon 19 of the PTCH1 gene, results from a C to A substitution at nucleotide position 3263. The alanine at codon 1088 is replaced by aspartic acid, an amino acid with dissimilar properties. This amino acid position is conserved. In addition, this alteration is predicted to be deleterious by in silico analysis. Since supporting evidence is limited at this time, the clinical significance of this alteration remains unclear.

NM_000264.5(PTCH1):c.3263C>A (p.Ala1088Asp)

Gene: PTCH1 (patched 1; minus strand). Cytogenetic location: 9q22.32.
Variant type: single nucleotide variant.
Coding change: c.3263C>A on transcript NM_000264.5 (MANE Select); coding-DNA position 3263, C replaced by A.
Protein change: p.Ala1088Asp; replaces alanine 1088 with aspartic acid.
Molecular consequence: missense variant. On other transcripts: non-coding transcript variant (1).
Genome position (GRCh38, 1-based): chr9:95,456,319, G>T on the plus strand (C>A on the coding strand, the complement: PTCH1 is on the minus strand). VCF-style: chr9-95456319-G-T. GRCh37 (hg19) VCF-style: chr9-98218601-G-T.
Other names: c.3065C>A, p.Ala1022Asp (NM_001083602.3); c.3260C>A, p.Ala1087Asp (NM_001083603.3); c.2810C>A, p.Ala937Asp (NM_001083604.3, NM_001083605.3, NM_001083606.3 and 1 more transcripts); c.3107C>A, p.Ala1036Asp (NM_001354918.2); short protein forms A1088D, A937D, A1036D, A1022D, A1087D.
Identifiers: ClinVar variation 1729554 (VCV001729554.2), dbSNP rs1838920838, ClinGen allele CA374112040.